The following is an entry in ClinVar:

ClinVar aggregate classification (germline): Conflicting classifications of pathogenicity. Review status: criteria provided, conflicting classifications (1 of 4 stars). 6 submissions from 6 submitters: Uncertain significance (2); Benign (1); Likely benign (2). 1 of the submissions does not count toward it. Last evaluated 2026-07-01.

Conditions:
Pyruvate dehydrogenase complex deficiency (PDHC). Also called: Ataxia with lactic acidosis 1; PYRUVATE DECARBOXYLASE DEFICIENCY; PDH DEFICIENCY; Pyruvate Dehydrogenase Complex Deficiency Disease; Pyruvate dehydrogenase deficiency. Identifiers: Orphanet 765, Orphanet 79243, MedGen C0034345, MONDO:0019169.
Pyruvate dehydrogenase E1-beta deficiency (PDHBD). Identifiers: Orphanet 255138, Orphanet 765, MedGen C3279841, MONDO:0013580, OMIM 614111.

Allele frequency attached by ClinVar (database versions not stated): 1000 Genomes Project 30x 0.00016; 1000 Genomes Project 0.00020; ExAC 0.00041; gnomAD exomes 0.00041; TOPMed 0.00048; gnomAD 0.00051 and 0.00053; ESP Exome Variant Server 0.00077.

Submissions (7):

CeGaT Center for Human Genetics Tuebingen
Classification: Likely benign. Last evaluated: 2026-07-01. Review status: criteria provided, single submitter. Criteria: CeGaT Center For Human Genetics Tuebingen Variant Classification Criteria Version 2. Collection method: clinical testing. Allele origin: germline. Affected: yes. Observed: 3 variant alleles.
Comment: PDHB: BP4

Blueprint Genetics
Classification: Likely benign. Last evaluated: 2024-11-25. Review status: criteria provided, single submitter. Criteria: ACMG Guidelines, 2015. Collection method: clinical testing. Allele origin: germline.

Labcorp Genetics (formerly Invitae), Labcorp
Classification: Uncertain significance for Pyruvate dehydrogenase E1-beta deficiency. Last evaluated: 2022-09-29. Review status: criteria provided, single submitter. Criteria: Invitae Variant Classification Sherloc (09022015). Collection method: clinical testing. Allele origin: germline.
Comment: This sequence change falls in intron 7 of the PDHB gene. It does not directly change the encoded amino acid sequence of the PDHB protein. It affects a nucleotide within the consensus splice site. This variant is present in population databases (rs377063331, gnomAD 0.08%), and has an allele count higher than expected for a pathogenic variant. This variant has not been reported in the literature in individuals affected with PDHB-related conditions. ClinVar contains an entry for this variant (Variation ID: 346406). Variants that disrupt the consensus splice site are a relatively common cause of aberrant splicing (PMID: 17576681, 9536098). Algorithms developed to predict the effect of sequence changes on RNA splicing suggest that this variant is not likely to affect RNA splicing. In summary, the available evidence is currently insufficient to determine the role of this variant in disease. Therefore, it has been classified as a Variant of Uncertain Significance.

Illumina Laboratory Services, Illumina
Classification: Uncertain significance for Pyruvate dehydrogenase E1-beta deficiency. Last evaluated: 2018-01-13. Review status: criteria provided, single submitter. Criteria: ICSL Variant Classification Criteria 13 December 2019. Collection method: clinical testing. Allele origin: germline.

GeneDx
Classification: Benign. Last evaluated: 2015-03-03. Review status: criteria provided, single submitter. Criteria: GeneDx Variant Classification Process June 2021. Collection method: clinical testing. Allele origin: germline. Affected: yes.

Natera, Inc.
Classification: Uncertain significance for Pyruvate decarboxylase deficiency. Last evaluated: 2020-06-05. Review status: no assertion criteria provided. Collection method: clinical testing. Allele origin: germline. Not counted in ClinVar's aggregate classification.

Dr. Peter K. Rogan Lab, Western University
No classification provided (evidence only). Condition: Gastric cancer. Review status: no classification provided. Collection method: in vitro. Allele origin: not applicable. Functional consequence: retained intron. Not counted in ClinVar's aggregate classification.

Literature cited by the submitters: PubMed 17576681 (cited by Labcorp Genetics (formerly Invitae), Labcorp); PubMed 9536098 (cited by Labcorp Genetics (formerly Invitae), Labcorp).

NM_000925.4(PDHB):c.701-3C>T

Gene: PDHB (pyruvate dehydrogenase E1 subunit beta; minus strand). Cytogenetic location: 3p14.3.
Variant type: single nucleotide variant.
Coding change: c.701-3C>T on transcript NM_000925.4 (MANE Select); 3 bases into the intron before coding-DNA position 701, C replaced by T.
Molecular consequence: intron variant.
Genome position (GRCh38, 1-based): chr3:58,429,802, G>A on the plus strand (C>T on the coding strand, the complement: PDHB is on the minus strand). VCF-style: chr3-58429802-G-A. GRCh37 (hg19) VCF-style: chr3-58415529-G-A.
Other names: c.647-3C>T (NM_001315536.2, NM_001173468.2).
Identifiers: ClinVar variation 346406 (VCV000346406.38), dbSNP rs377063331, ClinGen allele CA2471477.